The following is an entry in ClinVar:

ClinVar aggregate classification (germline): Uncertain significance (1 of 4 stars; one submission).

gnomAD v4.1: 18 of 1,613,890 alleles (0.0011%); highest among the groups gnomAD compares: African/African-American, 0.0027%; no homozygotes.

Submission:

Labcorp Genetics (formerly Invitae), Labcorp
Classification: Uncertain significance. Last evaluated: 2025-10-09. Review status: criteria provided, single submitter. Criteria: Invitae Variant Classification Sherloc (09022015). Collection method: clinical testing. Allele origin: germline.
Comment: This sequence change replaces valine, which is neutral and non-polar, with methionine, which is neutral and non-polar, at codon 97 of the SHPK protein (p.Val97Met). This variant is present in population databases (rs753670176, gnomAD 0.007%). This variant has not been reported in the literature in individuals affected with SHPK-related conditions. An algorithm developed to predict the effect of missense changes on protein structure and function outputs the following: PolyPhen-2: "Benign". The methionine amino acid residue is found in multiple mammalian species, which suggests that this missense change does not adversely affect protein function. In summary, the available evidence is currently insufficient to determine the role of this variant in disease. Therefore, it has been classified as a Variant of Uncertain Significance.

NM_013276.4(SHPK):c.289G>A (p.Val97Met)

Gene: SHPK (sedoheptulokinase; minus strand). Cytogenetic location: 17p13.2.
Variant type: single nucleotide variant.
Coding change: c.289G>A on transcript NM_013276.4 (MANE Select); coding-DNA position 289, G replaced by A.
Protein change: p.Val97Met; replaces valine 97 with methionine.
Molecular consequence: missense variant.
Genome position (GRCh38, 1-based): chr17:3,630,226, C>T on the plus strand (G>A on the coding strand, the complement: SHPK is on the minus strand). VCF-style: chr17-3630226-C-T. GRCh37 (hg19) VCF-style: chr17-3533520-C-T.
Other names: short protein forms V97M.
Identifiers: ClinVar variation 4703556 (VCV004703556.1).
Genomic context (GRCh38, chr17:3,630,226, plus strand): 5'-ACTGCTACCAGCCTGAGAGCATCCCCGAGCCCAGCATACCTTGGCCTGTTTTCCAAAACA[C>T]GACTCCATGCATCTGGCCCGACACCCCGATGCCCACGACGCTCCGGAGCTGGGGTCGGGG-3'
Protein context (NP_037408.2, residues 87-107): IGVSGQMHGV[Val97Met]FWKTGQGCEW